The following is an entry in ClinVar:

NM_021813.4(BACH2):c.2036G>A (p.Arg679His)

Gene: BACH2 (BACH transcriptional regulator 2; minus strand). Cytogenetic location: 6q15.
Variant type: single nucleotide variant.
Coding change: c.2036G>A on transcript NM_021813.4 (MANE Select); coding-DNA position 2036, G replaced by A.
Protein change: p.Arg679His; replaces arginine 679 with histidine.
Molecular consequence: missense variant.
Genome position (GRCh38, 1-based): chr6:89,938,151, C>T on the plus strand (G>A on the coding strand, the complement: BACH2 is on the minus strand). VCF-style: chr6-89938151-C-T. GRCh37 (hg19) VCF-style: chr6-90647870-C-T.
Other names: c.2036G>A, p.Arg679His (NM_001170794.2); c.2036G>A (NM_021813.2); short protein forms R679H.
Identifiers: ClinVar variation 2413658 (VCV002413658.7), dbSNP rs754741142, ClinGen allele CA3927885.

ClinVar aggregate classification (germline): Uncertain significance. Review status: criteria provided, multiple submitters, no conflicts (2 of 4 stars). 2 submissions from 2 submitters: Uncertain significance (2). Last evaluated 2025-11-02.

Allele frequency attached by ClinVar (database versions not stated): ExAC 0.00002; TOPMed 0.00002; gnomAD 0.00003.

Submissions (2):

Labcorp Genetics (formerly Invitae), Labcorp
Classification: Uncertain significance. Last evaluated: 2025-11-02. Review status: criteria provided, single submitter. Criteria: Invitae Variant Classification Sherloc (09022015). Collection method: clinical testing. Allele origin: germline.
Comment: This sequence change replaces arginine, which is basic and polar, with histidine, which is basic and polar, at codon 679 of the BACH2 protein (p.Arg679His). This variant is present in population databases (rs754741142, gnomAD 0.009%). This variant has not been reported in the literature in individuals affected with BACH2-related conditions. ClinVar contains an entry for this variant (Variation ID: 2413658). Invitae Evidence Modeling of protein sequence and biophysical properties (such as structural, functional, and spatial information, amino acid conservation, physicochemical variation, residue mobility, and thermodynamic stability) indicates that this missense variant is not expected to disrupt BACH2 protein function with a negative predictive value of 80%. In summary, the available evidence is currently insufficient to determine the role of this variant in disease. Therefore, it has been classified as a Variant of Uncertain Significance.

Ambry Genetics
Classification: Uncertain significance. Last evaluated: 2025-01-15. Review status: criteria provided, single submitter. Criteria: Ambry Variant Classification Scheme 2023. Collection method: clinical testing. Allele origin: germline.